The following is an entry in ClinVar:

NM_001692.4(ATP6V1B1):c.1000C>T (p.Arg334Cys)

Gene: ATP6V1B1 (ATPase H+ transporting V1 subunit B1; plus strand). Cytogenetic location: 2p13.3.
Variant type: single nucleotide variant.
Coding change: c.1000C>T on transcript NM_001692.4 (MANE Select); coding-DNA position 1000, C replaced by T.
Protein change: p.Arg334Cys; replaces arginine 334 with cysteine.
Molecular consequence: missense variant.
Genome position (GRCh38, 1-based): chr2:70,963,252, C>T. VCF-style: chr2-70963252-C-T. GRCh37 (hg19) VCF-style: chr2-71190382-C-T.
Other names: short protein forms R334C.
Identifiers: ClinVar variation 4988833 (VCV004988833.1).

ClinVar aggregate classification (germline): Uncertain significance (1 of 4 stars; one submission).

Conditions:
ATP6V1B1-related disorder. Also called: ATP6V1B1-related condition.

Submission:

PreventionGenetics, part of Exact Sciences
Classification: Uncertain significance for ATP6V1B1-related condition. Last evaluated: 2026-08-02. Review status: criteria provided, single submitter. Criteria: ACMG Guidelines, 2015. Collection method: clinical testing. Allele origin: germline.
Comment: The ATP6V1B1 c.1000C>T variant is predicted to result in the amino acid substitution p.Arg334Cys. To our knowledge, this variant has not been reported in the literature. This variant is reported in 0.0044% of alleles in individuals of European (Non-Finnish) descent in gnomAD. At this time, the clinical significance of this variant is uncertain due to the absence of conclusive functional and genetic evidence.